The following is an entry in ClinVar:

ClinVar aggregate classification (germline): Uncertain significance. Review status: criteria provided, multiple submitters, no conflicts (2 of 4 stars). 2 submissions from 2 submitters: Uncertain significance (2). Last evaluated 2025-03-06.

Conditions:
Hereditary cancer-predisposing syndrome. Also called: Neoplastic Syndromes, Hereditary; Tumor predisposition; Hereditary Cancer Syndrome; Hereditary neoplastic syndrome. Identifiers: Orphanet 140162, MedGen C0027672, MeSH D009386, MONDO:0015356.
Neuroblastoma, susceptibility to, 3. Also called: ALK-Related Neuroblastic Tumor Susceptibility. Identifiers: Orphanet 635, MedGen C2751681, MONDO:0013083, OMIM 613014.

gnomAD v4.1: 3 of 1,558,974 alleles (0.00019%); highest among the groups gnomAD compares: Non-Finnish European, 0.00026%; no homozygotes.

Submissions (2):

Ambry Genetics
Classification: Uncertain significance for Hereditary cancer-predisposing syndrome. Last evaluated: 2025-03-06. Review status: criteria provided, single submitter. Criteria: Ambry Variant Classification Scheme 2023. Collection method: clinical testing. Allele origin: germline.
Comment: The p.P117A variant (also known as c.349C>G), located in coding exon 1 of the ALK gene, results from a C to G substitution at nucleotide position 349. The proline at codon 117 is replaced by alanine, an amino acid with highly similar properties. This amino acid position is conserved. In addition, this alteration is predicted to be tolerated by in silico analysis. Since supporting evidence is limited at this time, the clinical significance of this alteration remains unclear.

Labcorp Genetics (formerly Invitae), Labcorp
Classification: Uncertain significance for Neuroblastoma, susceptibility to, 3. Last evaluated: 2024-06-10. Review status: criteria provided, single submitter. Criteria: Invitae Variant Classification Sherloc (09022015). Collection method: clinical testing. Allele origin: germline.
Comment: This sequence change replaces proline, which is neutral and non-polar, with alanine, which is neutral and non-polar, at codon 117 of the ALK protein (p.Pro117Ala). This variant is not present in population databases (gnomAD no frequency). This variant has not been reported in the literature in individuals affected with ALK-related conditions. ClinVar contains an entry for this variant (Variation ID: 1732018). An algorithm developed to predict the effect of missense changes on protein structure and function (PolyPhen-2) suggests that this variant is likely to be tolerated. In summary, the available evidence is currently insufficient to determine the role of this variant in disease. Therefore, it has been classified as a Variant of Uncertain Significance.

NM_004304.5(ALK):c.349C>G (p.Pro117Ala)

Gene: ALK (ALK receptor tyrosine kinase; minus strand). Cytogenetic location: 2p23.1.
Variant type: single nucleotide variant.
Coding change: c.349C>G on transcript NM_004304.5 (MANE Select); coding-DNA position 349, C replaced by G.
Protein change: p.Pro117Ala; replaces proline 117 with alanine.
Molecular consequence: missense variant.
Genome position (GRCh38, 1-based): chr2:29,920,311, G>C on the plus strand (C>G on the coding strand, the complement: ALK is on the minus strand). VCF-style: chr2-29920311-G-C. GRCh37 (hg19) VCF-style: chr2-30143177-G-C.
Other names: short protein forms P117A.
Identifiers: ClinVar variation 1732018 (VCV001732018.5), dbSNP rs1289331589, ClinGen allele CA346590213.
Genomic context (GRCh38, chr2:29,920,311, plus strand): 5'-GCCGGAGCTTGCGCACGGAGCCGCCCTTCAGCACCCTGGACAGCGTCCGGGCCTCTGCCG[G>C]GGCTGGTGAACCGGCGGTCCAGGAGACCCCCGGCGCCGGCCCCAGCAACCTGAGCAGCGG-3'
Protein context (NP_004295.2, residues 107-127): GVSWTAGSPA[Pro117Ala]AEARTLSRVL